The following is an entry in ClinVar:

NM_000458.4(HNF1B):c.680C>T (p.Thr227Ile)

Genes: HNF1B (HNF1 homeobox B; minus strand), LOC126862549 (BRD4-independent group 4 enhancer GRCh37_chr17:36093401-36094600; plus strand). Cytogenetic location: 17q12.
Variant type: single nucleotide variant.
Coding change: c.680C>T on transcript NM_000458.4 (MANE Select); coding-DNA position 680, C replaced by T.
Protein change: p.Thr227Ile; replaces threonine 227 with isoleucine.
Molecular consequence: missense variant.
Genome position (GRCh38, 1-based): chr17:37,733,686, G>A on the plus strand (C>T on the coding strand, the complement: HNF1B is on the minus strand). VCF-style: chr17-37733686-G-A. GRCh37 (hg19) VCF-style: chr17-36093679-G-A.
Other names: c.602C>T, p.Thr201Ile (NM_001165923.4, NM_001304286.2); c.680C>T, p.Thr227Ile (NM_001411100.1); short protein forms T201I, T227I.
Identifiers: ClinVar variation 4997415 (VCV004997415.1).
Genomic context (GRCh38, chr17:37,733,686, plus strand): 5'-TACAAGATTTGCTGGGACGCGGGCCCCCATTTGAACCGGTTGCGGCGCATCTTCTTGTTG[G>A]TGGGCTCAGAGCAGGCATCATCGGACTGCCCAGGCCCATGGCTCTGTTGACTGAACTCTG-3'
Protein context (NP_000449.1, residues 217-237): GQSDDACSEP[Thr227Ile]NKKMRRNRFK

ClinVar aggregate classification (germline): Uncertain significance (1 of 4 stars; one submission).

Conditions:
HNF1B-related disorder. Also called: HNF1B-related condition; HNF1B-related disorders.

Submission:

PreventionGenetics, part of Exact Sciences
Classification: Uncertain significance for HNF1B-related condition. Last evaluated: 2025-07-24. Review status: criteria provided, single submitter. Criteria: ACMG Guidelines, 2015. Collection method: clinical testing. Allele origin: germline.
Comment: The HNF1B c.680C>T variant is predicted to result in the amino acid substitution p.Thr227Ile. To our knowledge, this variant has not been reported in the literature or in a large population database (gnomAD), indicating this variant is rare. At this time, the clinical significance of this variant is uncertain due to the absence of conclusive functional and genetic evidence.